The following is an entry in ClinVar:

ClinVar aggregate classification (germline): Uncertain significance (1 of 4 stars; one submission).

Conditions:
Neuropathy, hereditary sensory and autonomic, type 2A (HSAN2A). Also called: HSAN IIA; ACROOSTEOLYSIS, GIACCAI TYPE; ACROOSTEOLYSIS, NEUROGENIC; WNK1-Related HSAN2 (HSAN2A); MORVAN DISEASE; NEUROPATHY, CONGENITAL SENSORY. Identifiers: Orphanet 970, MedGen C2752089, MONDO:0024309, OMIM 201300.
Pseudohypoaldosteronism type 2C (PHA2C). Also called: Pseudohypoaldosteronism Type IIC. Identifiers: Orphanet 757, Orphanet 88940, MedGen C1840391, MONDO:0013778, OMIM 614492.

Submission:

Labcorp Genetics (formerly Invitae), Labcorp
Classification: Uncertain significance for Neuropathy, hereditary sensory and autonomic, type 2A; Pseudohypoaldosteronism type 2C. Last evaluated: 2018-03-28. Review status: criteria provided, single submitter. Criteria: Invitae Variant Classification Sherloc (09022015). Collection method: clinical testing. Allele origin: germline.
Comment: This sequence change replaces glutamine with arginine at codon 426 of the WNK1 protein (p.Gln426Arg). The glutamine residue is highly conserved and there is a small physicochemical difference between glutamine and arginine. This variant is not present in population databases (ExAC no frequency). This variant has not been reported in the literature in individuals with WNK1-related disease. In summary, the available evidence is currently insufficient to determine the role of this variant in disease. Therefore, it has been classified as a Variant of Uncertain Significance.

NM_018979.4(WNK1):c.1277A>G (p.Gln426Arg)

Gene: WNK1 (WNK lysine deficient protein kinase 1; plus strand). Cytogenetic location: 12p13.33.
Variant type: single nucleotide variant.
Coding change: c.1277A>G on transcript NM_018979.4 (MANE Select); coding-DNA position 1277, A replaced by G.
Protein change: p.Gln426Arg; replaces glutamine 426 with arginine.
Molecular consequence: missense variant.
Genome position (GRCh38, 1-based): chr12:830,126, A>G. VCF-style: chr12-830126-A-G. GRCh37 (hg19) VCF-style: chr12-939292-A-G.
Other names: c.1277A>G, p.Gln426Arg (NM_001184985.2, NM_014823.3, NM_213655.5); short protein forms Q426R.
Identifiers: ClinVar variation 571616 (VCV000571616.8), dbSNP rs1565489044, ClinGen allele CA383329536.
Genomic context (GRCh38, chr12:830,126, plus strand): 5'-ATGCTTTTGGGATGTGCATGCTTGAGATGGCTACATCTGAATATCCTTACTCGGAGTGCC[A>G]AAATGCTGCACAGATCTACCGTCGCGTGACCAGTGTAAGTCTTCCCCTAACTGATTGTTG-3'
Protein context (NP_061852.3, residues 416-436): ATSEYPYSEC[Gln426Arg]NAAQIYRRVT